The following is an entry in ClinVar:

ClinVar aggregate classification (germline): Pathogenic (1 of 4 stars; one submission).

Submission:

Labcorp Genetics (formerly Invitae), Labcorp
Classification: Pathogenic. Last evaluated: 2020-10-31. Review status: criteria provided, single submitter. Criteria: Invitae Variant Classification Sherloc (09022015). Collection method: clinical testing. Allele origin: germline.
Comment: This variant has not been reported in the literature in individuals with COL7A1-related conditions. This variant is not present in population databases (ExAC no frequency). This sequence change creates a premature translational stop signal (p.Pro2498Leufs*18) in the COL7A1 gene. It is expected to result in an absent or disrupted protein product. Loss-of-function variants in COL7A1 are known to be pathogenic (PMID: 16971478). For these reasons, this variant has been classified as Pathogenic.

Literature cited by the submitters: PubMed 16971478.

NM_000094.4(COL7A1):c.7493del (p.Pro2498fs)

Gene: COL7A1 (collagen type VII alpha 1 chain; minus strand). Cytogenetic location: 3p21.31.
Variant type: Deletion.
Coding change: c.7493del on transcript NM_000094.4 (MANE Select); coding-DNA position 7493, one base deleted (C; older notation c.7493delC).
Protein change: p.Pro2498fs; shifts the reading frame from proline 2498.
Molecular consequence: frameshift variant.
Genome position (GRCh38, 1-based): chr3:48,569,908, G deleted on the plus strand (C on the coding strand, the reverse complement: COL7A1 is on the minus strand); the first of 5 consecutive G bases (chr3:48,569,908-48,569,912); deleting any one gives the same sequence. VCF-style (leftmost placement, unchanged base first): chr3-48569907-AG-A. GRCh37 (hg19) VCF-style: chr3-48607340-AG-A.
Other names: short protein forms P2498fs.
Identifiers: ClinVar variation 1454696 (VCV001454696.6), dbSNP rs1165239659, ClinGen allele CA1363079037.